The following is an entry in ClinVar:

NM_000080.4(CHRNE):c.1138C>T (p.Arg380Cys)

Genes: CHRNE (cholinergic receptor nicotinic epsilon subunit; minus strand), LOC130060040 (ATAC-STARR-seq lymphoblastoid silent region 8049; plus strand). Cytogenetic location: 17p13.2.
Variant type: single nucleotide variant.
Coding change: c.1138C>T on transcript NM_000080.4 (MANE Select); coding-DNA position 1138, C replaced by T.
Protein change: p.Arg380Cys; replaces arginine 380 with cysteine.
Molecular consequence: missense variant.
Genome position (GRCh38, 1-based): chr17:4,899,279, G>A on the plus strand (C>T on the coding strand, the complement: CHRNE is on the minus strand). VCF-style: chr17-4899279-G-A. GRCh37 (hg19) VCF-style: chr17-4802574-G-A.
Other names: short protein forms R380C.
Identifiers: ClinVar variation 2049779 (VCV002049779.7), dbSNP rs376093621, ClinGen allele CA8314006.

ClinVar aggregate classification (germline): Uncertain significance. Review status: criteria provided, multiple submitters, no conflicts (2 of 4 stars). 3 submissions from 3 submitters: Uncertain significance (3). Last evaluated 2025-01-14.

Conditions:
Inborn genetic diseases. Identifiers: MedGen C0950123, MeSH D030342.
Congenital myasthenic syndrome 4A. Also called: Myasthenic syndrome, congenital, 4a, slow-channel; MYASTHENIC SYNDROME, CONGENITAL, 4A, SLOW-CHANNEL, AUTOSOMAL RECESSIVE; CONGENITAL MYASTHENIC SYNDROME TYPE Ia1. Identifiers: Orphanet 590, MedGen C4225413, MONDO:0011600, OMIM 605809.

Allele frequency attached by ClinVar (database versions not stated): gnomAD 0.00005; ExAC 0.00006; ESP Exome Variant Server 0.00016; 1000 Genomes Project 0.00020; 1000 Genomes Project 30x 0.00031.
gnomAD v4.1: 35 of 1,600,352 alleles (0.0022%); highest among the groups gnomAD compares: African/African-American, 0.011%; no homozygotes.

Submissions (3):

Labcorp Genetics (formerly Invitae), Labcorp
Classification: Uncertain significance for Congenital myasthenic syndrome 4A. Last evaluated: 2025-01-14. Review status: criteria provided, single submitter. Criteria: Invitae Variant Classification Sherloc (09022015). Collection method: clinical testing. Allele origin: germline.
Comment: This sequence change replaces arginine, which is basic and polar, with cysteine, which is neutral and slightly polar, at codon 380 of the CHRNE protein (p.Arg380Cys). This variant is present in population databases (rs376093621, gnomAD 0.02%). This variant has not been reported in the literature in individuals affected with CHRNE-related conditions. ClinVar contains an entry for this variant (Variation ID: 2049779). Invitae Evidence Modeling of protein sequence and biophysical properties (such as structural, functional, and spatial information, amino acid conservation, physicochemical variation, residue mobility, and thermodynamic stability) indicates that this missense variant is not expected to disrupt CHRNE protein function with a negative predictive value of 95%. In summary, the available evidence is currently insufficient to determine the role of this variant in disease. Therefore, it has been classified as a Variant of Uncertain Significance.

Ambry Genetics
Classification: Uncertain significance for Inborn genetic diseases. Last evaluated: 2024-08-20. Review status: criteria provided, single submitter. Criteria: Ambry Variant Classification Scheme 2023. Collection method: clinical testing. Allele origin: germline.

Revvity Omics, Revvity
Classification: Uncertain significance. Last evaluated: 2019-12-25. Review status: criteria provided, single submitter. Criteria: ACMG Guidelines, 2015. Collection method: clinical testing. Allele origin: germline.